The following is an entry in ClinVar:

ClinVar aggregate classification (germline): Uncertain significance (1 of 4 stars; one submission).

Conditions:
Wilms tumor 1 (WT1). Also called: Wilms tumor, somatic. Identifiers: Orphanet 654, MedGen CN033288, MONDO:0008679, OMIM 194070.

Submission:

Labcorp Genetics (formerly Invitae), Labcorp
Classification: Uncertain significance for Wilms tumor 1. Last evaluated: 2017-09-15. Review status: criteria provided, single submitter. Criteria: Invitae Variant Classification Sherloc (09022015). Collection method: clinical testing. Allele origin: germline.
Comment: In summary, the available evidence is currently insufficient to determine the role of this variant in disease. Therefore, it has been classified as a Variant of Uncertain Significance. Algorithms developed to predict the effect of sequence changes on RNA splicing suggest that this variant may create or strengthen a splice site, but this prediction has not been confirmed by published transcriptional studies. Algorithms developed to predict the effect of missense changes on protein structure and function do not agree on the potential impact of this missense change (SIFT: "Tolerated"; PolyPhen-2: "Probably Damaging"; Align-GVGD: "Class C0"). This variant has not been reported in the literature in individuals with GPC3-related disease. This variant is not present in population databases (ExAC no frequency). This sequence change replaces alanine with valine at codon 24 of the GPC3 protein (p.Ala24Val). The alanine residue is weakly conserved and there is a small physicochemical difference between alanine and valine.

NM_004484.4(GPC3):c.71C>T (p.Ala24Val)

Gene: GPC3 (glypican 3; minus strand). Cytogenetic location: Xq26.2.
Variant type: single nucleotide variant.
Coding change: c.71C>T on transcript NM_004484.4 (MANE Select); coding-DNA position 71, C replaced by T.
Protein change: p.Ala24Val; replaces alanine 24 with valine.
Molecular consequence: missense variant.
Genome position (GRCh38, 1-based): chrX:133,985,379, G>A on the plus strand (C>T on the coding strand, the complement: GPC3 is on the minus strand). VCF-style: chrX-133985379-G-A. GRCh37 (hg19) VCF-style: chrX-133119406-G-A.
Other names: c.71C>T, p.Ala24Val (NM_001164617.2, NM_001164618.2, NM_001164619.2); short protein forms A24V.
Identifiers: ClinVar variation 577728 (VCV000577728.9), dbSNP rs1569462740, ClinGen allele CA414707099.